The following is an entry in ClinVar:

ClinVar aggregate classification (germline): Likely benign. Review status: criteria provided, multiple submitters, no conflicts (2 of 4 stars). 2 submissions from 2 submitters: Likely benign (2). Last evaluated 2023-06-04.

Allele frequency attached by ClinVar (database versions not stated): gnomAD 0.00001; gnomAD exomes 0.00001; TOPMed 0.00001.
gnomAD v4.1: 11 of 1,612,772 alleles (0.00068%); highest among the groups gnomAD compares: Admixed American, 0.0067%; no homozygotes.

Submissions (2):

Labcorp Genetics (formerly Invitae), Labcorp
Classification: Likely benign. Last evaluated: 2023-06-04. Review status: criteria provided, single submitter. Criteria: Invitae Variant Classification Sherloc (09022015). Collection method: clinical testing. Allele origin: germline.

GeneDx
Classification: Likely benign. Last evaluated: 2018-03-06. Review status: criteria provided, single submitter. Criteria: GeneDx Variant Classification (06012015). Collection method: clinical testing. Allele origin: germline. Affected: yes.
Comment: This variant is considered likely benign or benign based on one or more of the following criteria: it is a conservative change, it occurs at a poorly conserved position in the protein, it is predicted to be benign by multiple in silico algorithms, and/or has population frequency not consistent with disease.

NM_018993.4(RIN2):c.651C>T (p.Asp217=)

Gene: RIN2 (Ras and Rab interactor 2; plus strand). Cytogenetic location: 20p11.23.
Variant type: single nucleotide variant.
Coding change: c.651C>T on transcript NM_018993.4 (MANE Select); coding-DNA position 651, C replaced by T.
Protein change: p.Asp217=; no amino-acid change (aspartic acid 217 retained).
Molecular consequence: synonymous variant.
Genome position (GRCh38, 1-based): chr20:19,974,676, C>T. VCF-style: chr20-19974676-C-T. GRCh37 (hg19) VCF-style: chr20-19955320-C-T.
Other names: c.798C>T, p.Asp266= (NM_001242581.2); c.33C>T, p.Asp11= (NM_001378238.1).
Identifiers: ClinVar variation 515839 (VCV000515839.5), dbSNP rs746407150, ClinGen allele CA9779899.